The following is an entry in ClinVar:

NM_000090.4(COL3A1):c.852+2T>G

Gene: COL3A1 (collagen type III alpha 1 chain; plus strand). Cytogenetic location: 2q32.2.
Variant type: single nucleotide variant.
Coding change: c.852+2T>G on transcript NM_000090.4 (MANE Select); the canonical splice donor site of the intron after coding-DNA position 852, T replaced by G.
Molecular consequence: splice donor variant.
Genome position (GRCh38, 1-based): chr2:188,991,059, T>G. VCF-style: chr2-188991059-T-G. GRCh37 (hg19) VCF-style: chr2-189855785-T-G.
Identifiers: ClinVar variation 4854501 (VCV004854501.1).

ClinVar aggregate classification (germline): Likely pathogenic (1 of 4 stars; one submission).

Conditions:
Ehlers-Danlos syndrome, type 4 (EDSVASC). Also called: Ehlers-Danlos syndrome vascular type; Ehlers Danlos syndrome, ecchymotic type; Ehlers Danlos syndrome, arterial type; Ehlers Danlos syndrome, Sack-Barabas type; Ehlers-Danlos Syndrome Type IV. Identifiers: Orphanet 286, MedGen C0268338, MONDO:0017314, OMIM 130050.

Submission:

3billion
Classification: Likely pathogenic for Ehlers-Danlos syndrome, type 4. Last evaluated: 2025-07-07. Review status: criteria provided, single submitter. Criteria: ACMG Guidelines, 2015. Collection method: clinical testing. Allele origin: germline. Affected: yes.
Comment: The variant is not observed in the gnomAD v4.1.0 dataset. Predicted Consequence/Location: Canonical splice site: predicted to alter splicing and result in a loss or disruption of normal protein function. Multiple pathogenic loss-of-function variants are reported downstream of the variant. In silico tools predict the variant to alter splicing and produce an abnormal transcript [SpliceAI: 1.00 (spliceogenicity >=0.2, non-spliceogenicity <0.1)]. Therefore, this variant is classified as Likely pathogenic according to the recommendation of ACMG/AMP guideline.